The following is an entry in ClinVar:

ClinVar aggregate classification (germline): Uncertain significance. Review status: criteria provided, multiple submitters, no conflicts (2 of 4 stars). 2 submissions from 2 submitters: Uncertain significance (2). Last evaluated 2023-10-25.

Conditions:
Inborn genetic diseases. Identifiers: MedGen C0950123, MeSH D030342.

Allele frequency attached by ClinVar (database versions not stated): gnomAD exomes 0.00001; gnomAD 0.00003; ExAC 0.00004.
gnomAD v4.1: 17 of 1,613,786 alleles (0.0011%); highest among the groups gnomAD compares: East Asian, 0.036%; no homozygotes.

Submissions (2):

Ambry Genetics
Classification: Uncertain significance for Inborn genetic diseases. Last evaluated: 2023-10-25. Review status: criteria provided, single submitter. Criteria: Ambry Variant Classification Scheme 2023. Collection method: clinical testing. Allele origin: germline.

Labcorp Genetics (formerly Invitae), Labcorp
Classification: Uncertain significance. Last evaluated: 2022-02-03. Review status: criteria provided, single submitter. Criteria: Invitae Variant Classification Sherloc (09022015). Collection method: clinical testing. Allele origin: germline.
Comment: In summary, the available evidence is currently insufficient to determine the role of this variant in disease. Therefore, it has been classified as a Variant of Uncertain Significance. Algorithms developed to predict the effect of missense changes on protein structure and function (SIFT, PolyPhen-2, Align-GVGD) all suggest that this variant is likely to be tolerated. This variant has not been reported in the literature in individuals affected with CA2-related conditions. This variant is present in population databases (rs747884834, gnomAD 0.1%). This sequence change replaces proline, which is neutral and non-polar, with threonine, which is neutral and polar, at codon 42 of the CA2 protein (p.Pro42Thr).

NM_000067.3(CA2):c.124C>A (p.Pro42Thr)

Gene: CA2 (carbonic anhydrase 2; plus strand). Cytogenetic location: 8q21.2.
Variant type: single nucleotide variant.
Coding change: c.124C>A on transcript NM_000067.3 (MANE Select); coding-DNA position 124, C replaced by A.
Protein change: p.Pro42Thr; replaces proline 42 with threonine.
Molecular consequence: missense variant. On other transcripts: 5 prime UTR variant (1).
Genome position (GRCh38, 1-based): chr8:85,465,361, C>A. VCF-style: chr8-85465361-C-A. GRCh37 (hg19) VCF-style: chr8-86377590-C-A.
Other names: c.-61C>A (NM_001293675.2); c.124C>A (NM_000067.2); short protein forms P42T.
Identifiers: ClinVar variation 1925947 (VCV001925947.4), dbSNP rs747884834, ClinGen allele CA4796413.